The following is an entry in ClinVar:

ClinVar aggregate classification (germline): Uncertain significance (1 of 4 stars; one submission).

Allele frequency attached by ClinVar (database versions not stated): gnomAD exomes 0.00001; ExAC 0.00002; gnomAD 0.00003; TOPMed 0.00003; ESP Exome Variant Server 0.00008.
gnomAD v4.1: 21 of 1,613,876 alleles (0.0013%); highest among the groups gnomAD compares: African/African-American, 0.0053%; no homozygotes.

Submission:

Labcorp Genetics (formerly Invitae), Labcorp
Classification: Uncertain significance. Last evaluated: 2025-06-23. Review status: criteria provided, single submitter. Criteria: Invitae Variant Classification Sherloc (09022015). Collection method: clinical testing. Allele origin: germline.
Comment: This sequence change replaces arginine, which is basic and polar, with histidine, which is basic and polar, at codon 232 of the ITGAM protein (p.Arg232His). This variant is present in population databases (rs368628624, gnomAD 0.005%). This variant has not been reported in the literature in individuals affected with ITGAM-related conditions. ClinVar contains an entry for this variant (Variation ID: 1369544). An algorithm developed to predict the effect of missense changes on protein structure and function (PolyPhen-2) suggests that this variant is likely to be tolerated. In summary, the available evidence is currently insufficient to determine the role of this variant in disease. Therefore, it has been classified as a Variant of Uncertain Significance.

NM_000632.4(ITGAM):c.695G>A (p.Arg232His)

Gene: ITGAM (integrin subunit alpha M; plus strand). Cytogenetic location: 16p11.2.
Variant type: single nucleotide variant.
Coding change: c.695G>A on transcript NM_000632.4 (MANE Select); coding-DNA position 695, G replaced by A.
Protein change: p.Arg232His; replaces arginine 232 with histidine.
Molecular consequence: missense variant.
Genome position (GRCh38, 1-based): chr16:31,271,983, G>A. VCF-style: chr16-31271983-G-A. GRCh37 (hg19) VCF-style: chr16-31283304-G-A.
Other names: c.695G>A, p.Arg232His (NM_001145808.2); short protein forms R232H.
Identifiers: ClinVar variation 1369544 (VCV001369544.8), dbSNP rs368628624, ClinGen allele CA8025302.